The following is an entry in ClinVar:

NM_005045.4(RELN):c.7384G>C (p.Ala2462Pro)

Gene: RELN (reelin; minus strand). Cytogenetic location: 7q22.1.
Variant type: single nucleotide variant.
Coding change: c.7384G>C on transcript NM_005045.4 (MANE Select); coding-DNA position 7384, G replaced by C.
Protein change: p.Ala2462Pro; replaces alanine 2462 with proline.
Molecular consequence: missense variant.
Genome position (GRCh38, 1-based): chr7:103,523,497, C>G on the plus strand (G>C on the coding strand, the complement: RELN is on the minus strand). VCF-style: chr7-103523497-C-G. GRCh37 (hg19) VCF-style: chr7-103163944-C-G.
Other names: c.7384G>C, p.Ala2462Pro (NM_173054.3); short protein forms A2462P.
Identifiers: ClinVar variation 1902713 (VCV001902713.5), dbSNP rs1348293552, ClinGen allele CA368767910.
Genomic context (GRCh38, chr7:103,523,497, plus strand): 5'-TGCAGCCATCCCCGATATAGACATTATCTATTGCCCATGTCTGCTGCTTGTCAAAAGGAG[C>G]TGGTTGATGCCAACGGAAACGAGTGGCTTGGGACCTTTGAAGAAGATGAGAATTTTAATG-3'
Protein context (NP_005036.2, residues 2452-2472): QATRFRWHQP[Ala2462Pro]PFDKQQTWAI

ClinVar aggregate classification (germline): Uncertain significance (1 of 4 stars; one submission).

Conditions:
Familial temporal lobe epilepsy 7. Identifiers: Orphanet 101046, MedGen C4225327, MONDO:0014639, OMIM 616436.
Norman-Roberts syndrome (LIS2). Also called: Lissencephaly 2 (Norman-Roberts type). Identifiers: Orphanet 89844, MedGen C0796089, MONDO:0009760, OMIM 257320.

Allele frequency attached by ClinVar (database versions not stated): gnomAD exomes below 0.00001; gnomAD 0.00001.
gnomAD v4.1: 2 of 1,613,888 alleles (0.00012%); highest among the groups gnomAD compares: African/African-American, 0.0013%; no homozygotes.

Submission:

Labcorp Genetics (formerly Invitae), Labcorp
Classification: Uncertain significance for Familial temporal lobe epilepsy 7; Norman-Roberts syndrome. Last evaluated: 2021-12-29. Review status: criteria provided, single submitter. Criteria: Invitae Variant Classification Sherloc (09022015). Collection method: clinical testing. Allele origin: germline.
Comment: In summary, the available evidence is currently insufficient to determine the role of this variant in disease. Therefore, it has been classified as a Variant of Uncertain Significance. Algorithms developed to predict the effect of missense changes on protein structure and function are either unavailable or do not agree on the potential impact of this missense change (SIFT: "Deleterious"; PolyPhen-2: "Benign"; Align-GVGD: "Class C0"). This variant has not been reported in the literature in individuals affected with RELN-related conditions. This variant is present in population databases (no rsID available, gnomAD 0.007%). This sequence change replaces alanine, which is neutral and non-polar, with proline, which is neutral and non-polar, at codon 2462 of the RELN protein (p.Ala2462Pro).